The following is an entry in ClinVar:

NM_000020.3(ACVRL1):c.313+1G>A

Gene: ACVRL1 (activin A receptor like type 1; plus strand). Cytogenetic location: 12q13.13.
Variant type: single nucleotide variant.
Coding change: c.313+1G>A on transcript NM_000020.3 (MANE Select); the canonical splice donor site of the intron after coding-DNA position 313, G replaced by A.
Molecular consequence: splice donor variant. On other transcripts: intron variant (1).
Genome position (GRCh38, 1-based): chr12:51,913,351, G>A. VCF-style: chr12-51913351-G-A. GRCh37 (hg19) VCF-style: chr12-52307135-G-A.
Other names: c.313+1G>A (NM_001406487.1, NM_001406491.1, NM_001406488.1 and 7 more transcripts); c.61+816G>A (NM_001406495.1).
Identifiers: ClinVar variation 1458740 (VCV001458740.7), dbSNP rs1555152548, ClinGen allele CA384898144.

ClinVar aggregate classification (germline): Pathogenic. Review status: criteria provided, single submitter (1 of 4 stars). 2 submissions from 2 submitters: Pathogenic (1). 1 of the submissions does not count toward it. Last evaluated 2021-08-17.

Conditions:
ACVRL1-related disorder. Also called: ACVRL1-related disorders; ACVRL1-related condition.
Telangiectasia, hereditary hemorrhagic, type 2 (HHT2). Also called: Telangiectasia, hereditary hemorrhagic, type II; ACVRL1-Related Hereditary Hemorrhagic Telangiectasia. Identifiers: Orphanet 774, MedGen C1838163, MONDO:0010880, OMIM 600376. Disease mechanism: loss of function.

Submissions (2):

Labcorp Genetics (formerly Invitae), Labcorp
Classification: Pathogenic for Telangiectasia, hereditary hemorrhagic, type 2. Last evaluated: 2021-08-17. Review status: criteria provided, single submitter. Criteria: Invitae Variant Classification Sherloc (09022015). Collection method: clinical testing. Allele origin: germline.
Comment: This sequence change affects a donor splice site in intron 3 of the ACVRL1 gene. It is expected to disrupt RNA splicing. Variants that disrupt the donor or acceptor splice site typically lead to a loss of protein function (PMID: 16199547), and loss-of-function variants in ACVRL1 are known to be pathogenic (PMID: 15879500). This variant is not present in population databases (ExAC no frequency). Disruption of this splice site has been observed in individual(s) with clinical features of hereditary hemorrhagic telangiectasia (PMID: 25970827; Invitae). It has also been observed to segregate with disease in related individuals. Algorithms developed to predict the effect of sequence changes on RNA splicing suggest that this variant may disrupt the consensus splice site. For these reasons, this variant has been classified as Pathogenic.

PreventionGenetics, part of Exact Sciences
Classification: Pathogenic for ACVRL1-related condition. Last evaluated: 2024-03-06. Review status: no assertion criteria provided. Collection method: clinical testing. Allele origin: germline. Not counted in ClinVar's aggregate classification.
Comment: The ACVRL1 c.313+1G>A variant is predicted to disrupt the GT donor site and interfere with normal splicing. This variant was reported to be causative for hereditary hemorrhagic telangiectasia (Heimdal et al. 2016. PubMed ID: 25970827). This variant has not been reported in a large population database, indicating this variant is rare. Variants that disrupt the consensus splice donor site in ACVRL1 are expected to be pathogenic. This variant is interpreted as pathogenic.

Literature cited by the submitters: PubMed 16199547 (cited by Labcorp Genetics (formerly Invitae), Labcorp); PubMed 15879500 (cited by Labcorp Genetics (formerly Invitae), Labcorp); PubMed 25970827 (cited by Labcorp Genetics (formerly Invitae), Labcorp).